The following is an entry in ClinVar:

NM_001142800.2(EYS):c.1300dup (p.Tyr434fs)

Gene: EYS (EGF-like photoreceptor maintenance factor; minus strand). Cytogenetic location: 6q12.
Variant type: Duplication.
Coding change: c.1300dup on transcript NM_001142800.2 (MANE Select); coding-DNA position 1300, one base duplicated (T; older notation c.1300dupT).
Protein change: p.Tyr434fs; shifts the reading frame from tyrosine 434.
Molecular consequence: frameshift variant.
Genome position (GRCh38, 1-based): chr6:65,353,617, A duplicated on the plus strand (T on the coding strand, the reverse complement: EYS is on the minus strand). VCF-style (leftmost placement, unchanged base first): chr6-65353616-T-TA. GRCh37 (hg19) VCF-style: chr6-66063509-T-TA.
Other names: c.1300dup, p.Tyr434fs (NM_001142801.2, NM_001292009.2, NM_198283.2); short protein forms Y434fs.
Identifiers: ClinVar variation 2030826 (VCV002030826.4), dbSNP rs2533203632, ClinGen allele CA2580075689.

ClinVar aggregate classification (germline): Pathogenic (1 of 4 stars; one submission).

Submission:

Labcorp Genetics (formerly Invitae), Labcorp
Classification: Pathogenic. Last evaluated: 2022-09-25. Review status: criteria provided, single submitter. Criteria: Invitae Variant Classification Sherloc (09022015). Collection method: clinical testing. Allele origin: germline.
Comment: This variant is not present in population databases (gnomAD no frequency). This variant has not been reported in the literature in individuals affected with EYS-related conditions. For these reasons, this variant has been classified as Pathogenic. This sequence change creates a premature translational stop signal (p.Tyr434Leufs*39) in the EYS gene. It is expected to result in an absent or disrupted protein product. Loss-of-function variants in EYS are known to be pathogenic (PMID: 18836446, 20333770).

Literature cited by the submitters: PubMed 18836446; PubMed 20333770.